The following is an entry in ClinVar:

NM_015057.5(MYCBP2):c.9053C>T (p.Pro3018Leu)

Gene: MYCBP2 (MYC binding protein 2; minus strand). Cytogenetic location: 13q22.3.
Variant type: single nucleotide variant.
Coding change: c.9053C>T on transcript NM_015057.5 (MANE Select); coding-DNA position 9053, C replaced by T.
Protein change: p.Pro3018Leu; replaces proline 3018 with leucine.
Molecular consequence: missense variant.
Genome position (GRCh38, 1-based): chr13:77,098,101, G>A on the plus strand (C>T on the coding strand, the complement: MYCBP2 is on the minus strand). VCF-style: chr13-77098101-G-A. GRCh37 (hg19) VCF-style: chr13-77672236-G-A.
Other names: short protein forms P3018L.
Identifiers: ClinVar variation 4528171 (VCV004528171.2).

ClinVar aggregate classification (germline): Uncertain significance (1 of 4 stars; one submission).

Submission:

GeneDx
Classification: Uncertain significance. Last evaluated: 2026-01-07. Review status: criteria provided, single submitter. Criteria: GeneDx Variant Classification Process June 2021. Collection method: clinical testing. Allele origin: germline.
Comment: Not observed at significant frequency in large population cohorts (gnomAD); In silico analysis supports that this missense variant has a deleterious effect on protein structure/function; Has not been previously published as pathogenic or benign to our knowledge